The following is an entry in ClinVar:

ClinVar aggregate classification (germline): Uncertain significance (1 of 4 stars; one submission).

Submission:

Women's Health and Genetics/Laboratory Corporation of America, LabCorp
Classification: Uncertain significance. Last evaluated: 2023-11-02. Review status: criteria provided, single submitter. Criteria: LabCorp Variant Classification Summary - May 2015. Collection method: clinical testing. Allele origin: germline.
Comment: Variant summary: ATP7A c.4385C>G (p.Ala1462Gly) results in a non-conservative amino acid change in the encoded protein sequence. Three of five in-silico tools predict a benign effect of the variant on protein function. The variant was absent in 183411 control chromosomes (gnomAD). The available data on variant occurrences in the general population are insufficient to allow any conclusion about variant significance. To our knowledge, no occurrence of c.4385C>G in individuals affected with Menkes Kinky-Hair Syndrome and no experimental evidence demonstrating its impact on protein function have been reported. No submitters have cited clinical-significance assessments for this variant to ClinVar after 2014. Based on the evidence outlined above, the variant was classified as uncertain significance.

NM_000052.7(ATP7A):c.4385C>G (p.Ala1462Gly)

Gene: ATP7A (ATPase copper transporting alpha; plus strand). Cytogenetic location: Xq21.1.
Variant type: single nucleotide variant.
Coding change: c.4385C>G on transcript NM_000052.7 (MANE Select); coding-DNA position 4385, C replaced by G.
Protein change: p.Ala1462Gly; replaces alanine 1462 with glycine.
Molecular consequence: missense variant. On other transcripts: non-coding transcript variant (1).
Genome position (GRCh38, 1-based): chrX:78,046,452, C>G. VCF-style: chrX-78046452-C-G. GRCh37 (hg19) VCF-style: chrX-77301949-C-G.
Other names: c.4151C>G, p.Ala1384Gly (NM_001282224.2); short protein forms A1384G, A1462G.
Identifiers: ClinVar variation 2682408 (VCV002682408.1), dbSNP rs2522427748, ClinGen allele CA413606309.